The following is an entry in ClinVar:

NM_001042492.3(NF1):c.2329T>A (p.Trp777Arg)

Gene: NF1 (neurofibromin 1; plus strand). Cytogenetic location: 17q11.2.
Variant type: single nucleotide variant.
Coding change: c.2329T>A on transcript NM_001042492.3 (MANE Select); coding-DNA position 2329, T replaced by A.
Protein change: p.Trp777Arg; replaces tryptophan 777 with arginine.
Molecular consequence: missense variant.
Genome position (GRCh38, 1-based): chr17:31,227,526, T>A. VCF-style: chr17-31227526-T-A. GRCh37 (hg19) VCF-style: chr17-29554544-T-A.
Other names: c.2329T>A, p.Trp777Arg (NM_000267.4); short protein forms W777R.
Identifiers: ClinVar variation 230937 (VCV000230937.14), dbSNP rs876658853, ClinGen allele CA10580250.

ClinVar aggregate classification (germline): Pathogenic/Likely pathogenic. Review status: criteria provided, multiple submitters, no conflicts (2 of 4 stars). 7 submissions from 6 submitters: Pathogenic (2); Likely pathogenic (4). 1 of the submissions does not count toward it. Last evaluated 2025-12-24.

Conditions:
Cardiovascular phenotype. Identifiers: MedGen CN230736.
Hereditary cancer-predisposing syndrome. Also called: Hereditary Cancer Syndrome; Neoplastic Syndromes, Hereditary; Tumor predisposition; Hereditary neoplastic syndrome. Identifiers: Orphanet 140162, MedGen C0027672, MeSH D009386, MONDO:0015356.
Neurofibromatosis, type 1 (NF1). Also called: Neurofibromatosis, type I; VON RECKLINGHAUSEN DISEASE; NEUROFIBROMATOSIS, TYPE I, SOMATIC; Peripheral type neurofibromatosis. Identifiers: Orphanet 636, MedGen C0027831, MONDO:0018975, OMIM 162200. Disease mechanism: loss of function.

Submissions (7):

Labcorp Genetics (formerly Invitae), Labcorp
Classification: Pathogenic for Neurofibromatosis, type 1. Last evaluated: 2025-12-24. Review status: criteria provided, single submitter. Criteria: Invitae Variant Classification Sherloc (09022015). Collection method: clinical testing. Allele origin: germline.
Comment: This sequence change replaces tryptophan, which is neutral and slightly polar, with arginine, which is basic and polar, at codon 777 of the NF1 protein (p.Trp777Arg). This variant is not present in population databases (gnomAD no frequency). This missense change has been observed in individual(s) with clinical features of neurofibromatosis type 1 (PMID: 27322474, 34589056). In at least one individual the variant was observed to be de novo. ClinVar contains an entry for this variant (Variation ID: 230937). Invitae Evidence Modeling of protein sequence and biophysical properties (such as structural, functional, and spatial information, amino acid conservation, physicochemical variation, residue mobility, and thermodynamic stability) indicates that this missense variant is expected to disrupt NF1 protein function with a positive predictive value of 95%. For these reasons, this variant has been classified as Pathogenic.

Institute of Medical Genetics and Applied Genomics, University Hospital Tübingen
Classification: Likely pathogenic for Neurofibromatosis, type 1. Last evaluated: 2024-04-16. Review status: criteria provided, single submitter. Criteria: ACMG Guidelines, 2015. Collection method: clinical testing. Allele origin: germline. Inheritance: Autosomal dominant inheritance. Affected: yes.

Genome-Nilou Lab
Classification: Likely pathogenic for Neurofibromatosis, type 1. Last evaluated: 2022-03-15. Review status: criteria provided, single submitter. Criteria: ACMG Guidelines, 2015. Collection method: clinical testing. Allele origin: germline. Affected: no.

GeneDx
Classification: Likely pathogenic. Last evaluated: 2020-11-24. Review status: criteria provided, single submitter. Criteria: GeneDx Variant Classification Process June 2021. Collection method: clinical testing. Allele origin: germline. Affected: yes.
Comment: In silico analysis supports that this missense variant has a deleterious effect on protein structure/function; Not observed in large population cohorts (Lek 2016); This variant is associated with the following publications: (PMID: 31766501, 22034633, 16005615, 27322474, 23656349, 23913538, 17726231, 10712197, 25486365, 26582918)

Ambry Genetics
Classification: Pathogenic for Cardiovascular phenotype; Hereditary cancer-predisposing syndrome. Last evaluated: 2019-05-17. Review status: criteria provided, single submitter. Criteria: Ambry Variant Classification Scheme 2023. Collection method: clinical testing. Allele origin: germline.
Comment: The p.W777R variant (also known as c.2329T>A), located in coding exon 20 of the NF1 gene, results from a T to A substitution at nucleotide position 2329. The tryptophan at codon 777 is replaced by arginine, an amino acid with dissimilar properties.The c.2329T>A and c.2329T>C alterations, both of which result in p.W777R, have been identified in several individuals with a clinical diagnosis of neurofibromatosis type 1 (NF1) (Cai Y et al. J. Dermatol. Sci. 2005 Aug; 39(2):125-7; Sabbagh A et al. Hum. Mutat. 2013 Nov; 34(11):1510-8; Evans DG et al. EBioMedicine, 2016 May;7:212-20, Ambry internal data). In addition, the c.2329T>A (p.W777R) alteration was determined to arise de novo in a patient with NF1; segregation studies showed both parents were negative for the alteration (Evans DG et al. EBioMedicine, 2016 May;7:212-20). Based on the available evidence, p.W777R is classified as a pathogenic mutation.

Ambry Genetics
Classification: Likely pathogenic for Hereditary cancer-predisposing syndrome. Last evaluated: 2015-03-16. Review status: criteria provided, single submitter. Criteria: Ambry Autosomal Dominant and X-Linked criteria (10/2015). Collection method: clinical testing. Allele origin: germline. Observed: 1 variant allele.
Comment: Thep.W777Rvariant (also known as c.2329T>A), located in coding exon 20 of theNF1gene, results from a T to A substitution at nucleotide position 2329. The tryptophan at codon 777 is replaced by arginine, an amino acid with dissimilar properties. This alteration has been identified in two families with clinical neurofibromatosis type 1 (NF1) and segregated with disease in the only family tested (Cai Y et al, J. Dermatol. Sci. 2005 Aug; 39(2):125-7; Sabbagh A et al, Hum. Mutat. 2013 Nov; 34(11):1510-8). In addition, different amino acid substitutions at codon 777 (p.W777G and p.W777S) have been detected in multiple NF1 families to date (Fahsold R et al, Am. J. Hum. Genet. 2000 Mar; 66(3):790-818; Bendova S et al, J. Mol. Neurosci. 2007; 31(3):273-9; van Minkelen R et al, Clin. Genet. 2014 Apr; 85(4):318-27). This variant was not reported in population based cohorts in the following databases: Database of Single Nucleotide Polymorphisms (dbSNP), NHLBI Exome Sequencing Project (ESP), and 1000 Genomes Project. In the ESP, this variant was not observed in 6503 samples (13006 alleles) with coverage at this position. To date, this alteration has been detected with an allele frequency of approximately 0.003% (greater than 30000 alleles tested) in our clinical cohort. This amino acid position is highly conserved in available vertebrate species. In addition, this alteration is predicted to be probably damaging and deleterious by PolyPhen and SIFTin silico analyses, respectively. Based on the majority of available evidence to date, this variant is likely to be pathogenic.

Beijing Key Laboratory for Genetic Research of Skeletal Deformity, Peking Union Medical College Hospital
Classification: Pathogenic for Neurofibromatosis, type 1. Last evaluated: 2019-05-31. Review status: no assertion criteria provided. Collection method: research. Allele origin: de novo. Affected: yes. Not counted in ClinVar's aggregate classification.

Literature cited by the submitters: PubMed 27322474 (cited by Labcorp Genetics (formerly Invitae), Labcorp); PubMed 34589056 (cited by Labcorp Genetics (formerly Invitae), Labcorp); PubMed 10712197 (cited by Ambry Genetics); PubMed 16005615 (cited by Ambry Genetics); PubMed 17726231 (cited by Ambry Genetics); PubMed 23656349 (cited by Ambry Genetics); PubMed 23913538 (cited by Ambry Genetics).